The following is an entry in ClinVar:

NM_003079.5(SMARCE1):c.1181_1188del (p.Ala394fs)

Gene: SMARCE1 (SWI/SNF related BAF chromatin remodeling complex subunit E1; minus strand). Cytogenetic location: 17q21.2.
Variant type: Microsatellite.
Coding change: c.1181_1188del on transcript NM_003079.5 (MANE Select); coding-DNA positions 1181 to 1188, 8 bases deleted (CAACAGTG; older notation c.1181_1188delCAACAGTG).
Protein change: p.Ala394fs; shifts the reading frame from alanine 394.
Molecular consequence: frameshift variant.
Genome position (GRCh38, 1-based): chr17:40,628,833-40,628,840, CACTGTTG deleted on the plus strand (CAACAGTG on the coding strand, the reverse complement: SMARCE1 is on the minus strand); deleting any 8 consecutive bases within chr17:40,628,833-40,628,849 gives the same sequence; the c. name uses the placement nearest the transcript's 3' end. VCF-style (leftmost placement, unchanged base first): chr17-40628832-CCACTGTTG-C. GRCh37 (hg19) VCF-style: chr17-38785084-CCACTGTTG-C.
Other names: c.1181_1188delCAACAGTG (NM_003079.4); c.1172_1179GCAACAGT[1], p.Ala394Glyfs (NM_003079.4); short protein forms A394fs.
Identifiers: ClinVar variation 3799008 (VCV003799008.1).

ClinVar aggregate classification (germline): Uncertain significance (1 of 4 stars; one submission).

Conditions:
Hereditary cancer-predisposing syndrome. Also called: Neoplastic Syndromes, Hereditary; Hereditary Cancer Syndrome; Tumor predisposition; Hereditary neoplastic syndrome. Identifiers: Orphanet 140162, MedGen C0027672, MeSH D009386, MONDO:0015356.

Submission:

Ambry Genetics
Classification: Uncertain significance for Hereditary cancer-predisposing syndrome. Last evaluated: 2025-01-13. Review status: criteria provided, single submitter. Criteria: Ambry Variant Classification Scheme 2023. Collection method: clinical testing. Allele origin: germline.
Comment: The c.1181_1188delCAACAGTG variant, located in coding exon 10 of the SMARCE1 gene, results from a deletion of 8 nucleotides at nucleotide positions 1181 to 1188, causing a translational frameshift with a predicted alternate stop codon (p.A394Gfs*12). This alteration occurs at the 3' terminus of theSMARCE1 gene, is not expected to trigger nonsense-mediated mRNAdecay, and impacts the last 4% of the protein. The exact functional effect of this alteration is unknown. Based on the available evidence, the clinical significance of this variant remains unclear.